The following is an entry in ClinVar:

ClinVar aggregate classification (germline): Likely pathogenic (1 of 4 stars; one submission).

Allele frequency attached by ClinVar (database versions not stated): gnomAD exomes below 0.00001; ExAC 0.00001.
gnomAD v4.1: 2 of 1,612,942 alleles (0.00012%); highest among the groups gnomAD compares: Non-Finnish European, 0.00017%; no homozygotes.

Submission:

Labcorp Genetics (formerly Invitae), Labcorp
Classification: Likely pathogenic. Last evaluated: 2022-12-09. Review status: criteria provided, single submitter. Criteria: Invitae Variant Classification Sherloc (09022015). Collection method: clinical testing. Allele origin: germline.
Comment: This sequence change affects a donor splice site in intron 17 of the ABCA4 gene. It is expected to disrupt RNA splicing. Variants that disrupt the donor or acceptor splice site typically lead to a loss of protein function (PMID: 16199547), and loss-of-function variants in ABCA4 are known to be pathogenic (PMID: 10958761, 24938718, 25312043, 26780318). This variant is present in population databases (rs762823337, gnomAD 0.0009%). This variant has not been reported in the literature in individuals affected with ABCA4-related conditions. Algorithms developed to predict the effect of sequence changes on RNA splicing suggest that this variant may disrupt the consensus splice site. In summary, the currently available evidence indicates that the variant is pathogenic, but additional data are needed to prove that conclusively. Therefore, this variant has been classified as Likely Pathogenic.

Literature cited by the submitters: PubMed 16199547; PubMed 10958761; PubMed 24938718; PubMed 25312043; PubMed 26780318.

NM_000350.3(ABCA4):c.2653+2T>C

Gene: ABCA4 (ATP binding cassette subfamily A member 4; minus strand). Cytogenetic location: 1p22.1.
Variant type: single nucleotide variant.
Coding change: c.2653+2T>C on transcript NM_000350.3 (MANE Select); the canonical splice donor site of the intron after coding-DNA position 2653, T replaced by C.
Molecular consequence: splice donor variant.
Genome position (GRCh38, 1-based): chr1:94,051,631, A>G on the plus strand (T>C on the coding strand, the complement: ABCA4 is on the minus strand). VCF-style: chr1-94051631-A-G. GRCh37 (hg19) VCF-style: chr1-94517187-A-G.
Identifiers: ClinVar variation 1919123 (VCV001919123.5), dbSNP rs762823337, ClinGen allele CA958210.
Genomic context (GRCh38, chr1:94,051,631, plus strand): 5'-ATCTTGCACAGAGCCCAAGGAGTTGATTTCAAACATTAAGATTTGTGTTTTAAAGGACTC[A>G]CCTTCACCGCCAAGCCAATACGACTCTTGTAGAAGAAAGTACCAAGGAAGTGGGGTTCCA-3'